The following is an entry in ClinVar:

NM_000051.4(ATM):c.2748_2749del (p.Ser917fs)

Gene: ATM (ATM serine/threonine kinase; plus strand). Cytogenetic location: 11q22.3.
Variant type: Microsatellite.
Coding change: c.2748_2749del on transcript NM_000051.4 (MANE Select); coding-DNA positions 2748 to 2749, 2 bases deleted (GT; older notation c.2748_2749delGT).
Protein change: p.Ser917fs; shifts the reading frame from serine 917.
Molecular consequence: frameshift variant.
Genome position (GRCh38, 1-based): chr11:108,268,519-108,268,520, GT deleted; deleting any 2 consecutive bases within chr11:108,268,516-108,268,520 gives the same sequence; the c. name uses the placement nearest the transcript's 3' end. VCF-style (leftmost placement, unchanged base first): chr11-108268515-CTG-C. GRCh37 (hg19) VCF-style: chr11-108139242-CTG-C.
Other names: c.2748_2749del, p.Ser917fs (NM_001351834.2); short protein forms S917fs.
Identifiers: ClinVar variation 2774382 (VCV002774382.2), dbSNP rs2497635455, ClinGen allele CA2697558909.

ClinVar aggregate classification (germline): Pathogenic (1 of 4 stars; one submission).

Conditions:
Hereditary cancer-predisposing syndrome. Also called: Neoplastic Syndromes, Hereditary; Tumor predisposition; Hereditary Cancer Syndrome; Hereditary neoplastic syndrome. Identifiers: Orphanet 140162, MedGen C0027672, MeSH D009386, MONDO:0015356.

Submission:

Color Diagnostics, LLC DBA Color Health
Classification: Pathogenic for Hereditary cancer-predisposing syndrome. Last evaluated: 2022-03-07. Review status: criteria provided, single submitter. Criteria: ACMG Guidelines, 2015. Collection method: clinical testing. Allele origin: germline.
Comment: This variant deletes 2 nucleotides in exon 18 of the ATM gene, creating a frameshift and premature translation stop signal. This variant is expected to result in an absent or non-functional protein product. To our knowledge, this variant has not been reported in individuals affected with hereditary cancer in the literature. This variant has not been identified in the general population by the Genome Aggregation Database (gnomAD). Loss of ATM function is a known mechanism of disease. Based on the available evidence, this variant is classified as Pathogenic.